The following is an entry in ClinVar:

ClinVar aggregate classification (germline): Uncertain significance (1 of 4 stars; one submission).

gnomAD v4.1: 7 of 1,614,112 alleles (0.00043%); highest among the groups gnomAD compares: Non-Finnish European, 0.00051%; no homozygotes.

Submission:

Labcorp Genetics (formerly Invitae), Labcorp
Classification: Uncertain significance. Last evaluated: 2022-08-30. Review status: criteria provided, single submitter. Criteria: Invitae Variant Classification Sherloc (09022015). Collection method: clinical testing. Allele origin: germline.
Comment: This sequence change replaces leucine, which is neutral and non-polar, with valine, which is neutral and non-polar, at codon 519 of the TRIM8 protein (p.Leu519Val). In summary, the available evidence is currently insufficient to determine the role of this variant in disease. Therefore, it has been classified as a Variant of Uncertain Significance. Algorithms developed to predict the effect of missense changes on protein structure and function (SIFT, PolyPhen-2, Align-GVGD) all suggest that this variant is likely to be disruptive. This variant has not been reported in the literature in individuals affected with TRIM8-related conditions. This variant is present in population databases (no rsID available, gnomAD 0.0009%).

NM_030912.3(TRIM8):c.1555C>G (p.Leu519Val)

Gene: TRIM8 (tripartite motif containing 8; plus strand). Cytogenetic location: 10q24.32.
Variant type: single nucleotide variant.
Coding change: c.1555C>G on transcript NM_030912.3 (MANE Select); coding-DNA position 1555, C replaced by G.
Protein change: p.Leu519Val; replaces leucine 519 with valine.
Molecular consequence: missense variant. On other transcripts: non-coding transcript variant (1).
Genome position (GRCh38, 1-based): chr10:102,657,253, C>G. VCF-style: chr10-102657253-C-G. GRCh37 (hg19) VCF-style: chr10-104417010-C-G.
Other names: c.1459C>G, p.Leu487Val (NM_001345950.1); short protein forms L519V, L487V.
Identifiers: ClinVar variation 1917965 (VCV001917965.5), dbSNP rs200194552, ClinGen allele CA377933178.